The following is an entry in ClinVar:

NM_002693.3(POLG):c.2038del (p.Leu680fs)

Gene: POLG (DNA polymerase gamma, catalytic subunit; minus strand). Cytogenetic location: 15q26.1.
Variant type: Deletion.
Coding change: c.2038del on transcript NM_002693.3 (MANE Select); coding-DNA position 2038, one base deleted (C; older notation c.2038delC).
Protein change: p.Leu680fs; shifts the reading frame from leucine 680.
Molecular consequence: frameshift variant.
Genome position (GRCh38, 1-based): chr15:89,324,139, G deleted on the plus strand (C on the coding strand, the reverse complement: POLG is on the minus strand); the first of 2 consecutive G bases (chr15:89,324,139-89,324,140); deleting either gives the same sequence. VCF-style (leftmost placement, unchanged base first): chr15-89324138-AG-A. GRCh37 (hg19) VCF-style: chr15-89867369-AG-A.
Other names: c.2038del, p.Leu680fs (NM_001126131.2); short protein forms L680fs.
Identifiers: ClinVar variation 619396 (VCV000619396.1), dbSNP rs1567188632, ClinGen allele CA10602213.

ClinVar aggregate classification (germline): Pathogenic (1 of 4 stars; one submission).

Conditions:
Progressive sclerosing poliodystrophy (MTDPS4A). Also called: Alpers-Huttenlocher Syndrome (AHS); Alpers Syndrome; ALPERS PROGRESSIVE INFANTILE POLIODYSTROPHY; Mitochondrial DNA depletion syndrome 4A (Alpers type); ALPERS DIFFUSE DEGENERATION OF CEREBRAL GRAY MATTER WITH HEPATIC CIRRHOSIS; Alpers-Huttenlocher Syndrome. Identifiers: Orphanet 726, MedGen C0205710, MONDO:0008758, OMIM 203700.

Submission:

Wong Mito Lab, Molecular and Human Genetics, Baylor College of Medicine
Classification: Pathogenic for Progressive sclerosing poliodystrophy. Last evaluated: 2018-10-01. Review status: criteria provided, single submitter. Criteria: ACMG Guidelines, 2015. Collection method: clinical testing. Allele origin: germline.
Comment: The NM_002693.2:c.2038del (NP_002684.1:p.Leu680CysfsTer12) [GRCH38: NC_000015.10:g.89324140del] variant in POLG gene is interpretated to be a Pathogenic based on ACMG guidelines (PMID: 25741868). This variant meets the following evidence codes reported in the ACMG-guideline. PVS1:This variant is a predicted null variant in POLG where loss of function is a known mechanism of disease. PM2:This variant is absent in key population databases. PM3:Detected in trans with a pathogenic variant for Mitochondrial DNA depletion syndrome 4A (Alpers type) which is a recessive disorder. PM4:This variant causes alteration in the length of expressed protein. PP1:This variant is co-segregated with Mitochondrial DNA depletion syndrome 4A (Alpers type) in multiple affected family members. PP4:Patient's phenotype or family history is highly specific for POLG. Based on the evidence criteria codes applied, the variant is suggested to be Pathogenic.